The following is an entry in ClinVar:

NM_000179.3(MSH6):c.1702T>G (p.Phe568Val)

Gene: MSH6 (mutS homolog 6; plus strand). Cytogenetic location: 2p16.3.
Variant type: single nucleotide variant.
Coding change: c.1702T>G on transcript NM_000179.3 (MANE Select); coding-DNA position 1702, T replaced by G.
Protein change: p.Phe568Val; replaces phenylalanine 568 with valine.
Molecular consequence: missense variant.
Genome position (GRCh38, 1-based): chr2:47,799,685, T>G. VCF-style: chr2-47799685-T-G. GRCh37 (hg19) VCF-style: chr2-48026824-T-G.
Other names: c.1312T>G, p.Phe438Val (NM_001281492.2); c.796T>G, p.Phe266Val (NM_001281493.2, NM_001281494.2); c.1702T>G (NM_000179.2); short protein forms F438V, F568V, F266V.
Identifiers: ClinVar variation 1512509 (VCV001512509.8), dbSNP rs758118126, ClinGen allele CA068043.
Genomic context (GRCh38, chr2:47,799,685, plus strand): 5'-GATTCTTCTGGCCATACTCGTGCATATGGTGTGTGCTTTGTTGATACTTCACTGGGAAAG[T>G]TTTTCATAGGTCAGTTTTCAGATGATCGCCATTGTTCGAGATTTAGGACTCTAGTGGCAC-3'
Protein context (NP_000170.1, residues 558-578): VCFVDTSLGK[Phe568Val]FIGQFSDDRH

ClinVar aggregate classification (germline): Uncertain significance. Review status: criteria provided, multiple submitters, no conflicts (2 of 4 stars). 3 submissions from 3 submitters: Uncertain significance (3). Last evaluated 2024-09-05.

Conditions:
Hereditary cancer-predisposing syndrome. Also called: Tumor predisposition; Neoplastic Syndromes, Hereditary; Hereditary Cancer Syndrome; Hereditary neoplastic syndrome. Identifiers: Orphanet 140162, MedGen C0027672, MeSH D009386, MONDO:0015356.
Hereditary nonpolyposis colorectal neoplasms. Identifiers: MedGen C0009405, MeSH D003123.

gnomAD v4.1: 6 of 1,614,094 alleles (0.00037%); highest among the groups gnomAD compares: Non-Finnish European, 0.00051%; no homozygotes.

Submissions (3):

Blueprint Genetics
Classification: Uncertain significance. Last evaluated: 2024-09-05. Review status: criteria provided, single submitter. Criteria: ACMG Guidelines, 2015. Collection method: clinical testing. Allele origin: germline.

Labcorp Genetics (formerly Invitae), Labcorp
Classification: Uncertain significance for Hereditary nonpolyposis colorectal neoplasms. Last evaluated: 2024-06-04. Review status: criteria provided, single submitter. Criteria: Invitae Variant Classification Sherloc (09022015). Collection method: clinical testing. Allele origin: germline.
Comment: This sequence change replaces phenylalanine, which is neutral and non-polar, with valine, which is neutral and non-polar, at codon 568 of the MSH6 protein (p.Phe568Val). This variant is present in population databases (rs758118126, gnomAD 0.002%). This variant has not been reported in the literature in individuals affected with MSH6-related conditions. ClinVar contains an entry for this variant (Variation ID: 1512509). Advanced modeling of protein sequence and biophysical properties (such as structural, functional, and spatial information, amino acid conservation, physicochemical variation, residue mobility, and thermodynamic stability) has been performed at Invitae for this missense variant, however the output from this modeling did not meet the statistical confidence thresholds required to predict the impact of this variant on MSH6 protein function. In summary, the available evidence is currently insufficient to determine the role of this variant in disease. Therefore, it has been classified as a Variant of Uncertain Significance.

Ambry Genetics
Classification: Uncertain significance for Hereditary cancer-predisposing syndrome. Last evaluated: 2024-01-08. Review status: criteria provided, single submitter. Criteria: Ambry Variant Classification Scheme 2023. Collection method: clinical testing. Allele origin: germline.
Comment: The p.F568V variant (also known as c.1702T>G), located in coding exon 4 of the MSH6 gene, results from a T to G substitution at nucleotide position 1702. The phenylalanine at codon 568 is replaced by valine, an amino acid with highly similar properties. This amino acid position is highly conserved in available vertebrate species. In addition, this alteration is predicted to be deleterious by in silico analysis. Since supporting evidence is limited at this time, the clinical significance of this alteration remains unclear.